The following is an entry in ClinVar:

NM_000304.4(PMP22):c.470G>A (p.Arg157Gln)

Gene: PMP22 (peripheral myelin protein 22; minus strand). Cytogenetic location: 17p12.
Variant type: single nucleotide variant.
Coding change: c.470G>A on transcript NM_000304.4 (MANE Select); coding-DNA position 470, G replaced by A.
Protein change: p.Arg157Gln; replaces arginine 157 with glutamine.
Molecular consequence: missense variant. On other transcripts: non-coding transcript variant (2).
Genome position (GRCh38, 1-based): chr17:15,230,930, C>T on the plus strand (G>A on the coding strand, the complement: PMP22 is on the minus strand). VCF-style: chr17-15230930-C-T. GRCh37 (hg19) VCF-style: chr17-15134247-C-T.
Other names: c.470G>A, p.Arg157Gln (NM_001281455.2, NM_001281456.2, NM_153321.3 and 1 more transcripts); short protein forms R157Q.
Identifiers: ClinVar variation 3614210 (VCV003614210.2).

ClinVar aggregate classification (germline): Uncertain significance (1 of 4 stars; one submission).

Conditions:
Charcot-Marie-Tooth disease, type I (CMT1). Also called: Charcot-Marie-Tooth, Type 1; Charcot-Marie-Tooth disease type 1. Identifiers: Orphanet 65753, MedGen C0751036, MONDO:0019011.

Submission:

Labcorp Genetics (formerly Invitae), Labcorp
Classification: Uncertain significance for Charcot-Marie-Tooth disease, type I. Last evaluated: 2024-10-09. Review status: criteria provided, single submitter. Criteria: Invitae Variant Classification Sherloc (09022015). Collection method: clinical testing. Allele origin: germline.
Comment: This sequence change replaces arginine, which is basic and polar, with glutamine, which is neutral and polar, at codon 157 of the PMP22 protein (p.Arg157Gln). This variant is not present in population databases (gnomAD no frequency). This variant has not been reported in the literature in individuals affected with PMP22-related conditions. An algorithm developed to predict the effect of missense changes on protein structure and function (PolyPhen-2) suggests that this variant is likely to be disruptive. This variant disrupts the p.Arg157 amino acid residue in PMP22. Other variant(s) that disrupt this residue have been determined to be pathogenic (PMID: 10211478, 32719652). This suggests that this residue is clinically significant, and that variants that disrupt this residue are likely to be disease-causing. In summary, the available evidence is currently insufficient to determine the role of this variant in disease. Therefore, it has been classified as a Variant of Uncertain Significance.

Literature cited by the submitters: PubMed 10211478; PubMed 32719652.